The following is an entry in ClinVar:

ClinVar aggregate classification (germline): Likely benign. Review status: reviewed by expert panel (3 of 4 stars). 8 submissions from 8 submitters: Likely benign (1). 7 of the submissions do not count toward it. Last evaluated 2017-06-29.

Conditions:
Breast-ovarian cancer, familial, susceptibility to, 2 (BROVCA2). Also called: BRCA2 Hereditary Breast and Ovarian Cancer. Identifiers: Orphanet 145, MedGen C2675520, MONDO:0012933, OMIM 612555. Disease mechanism: loss of function.
Familial cancer of breast. Also called: hereditary breast carcinoma; Hereditary breast cancer; BREAST CANCER, FAMILIAL. Identifiers: Orphanet 227535, MedGen C0346153, MONDO:0016419, OMIM 114480. Disease mechanism: loss of function.
Hereditary cancer-predisposing syndrome. Also called: Tumor predisposition; Hereditary neoplastic syndrome; Neoplastic Syndromes, Hereditary; Hereditary Cancer Syndrome. Identifiers: Orphanet 140162, MedGen C0027672, MeSH D009386, MONDO:0015356.
Hereditary breast ovarian cancer syndrome. Also called: Hereditary breast and ovarian cancer; BRCA1- and BRCA2-Associated Hereditary Breast and Ovarian Cancer; Hereditary breast and/or ovarian cancer syndrome; Hereditary breast and ovarian cancer syndrome; Hereditary breast and ovarian cancer syndrome (HBOC); Breast and ovarian cancer. Identifiers: Orphanet 145, MedGen C0677776, MeSH D061325, MONDO:0003582. Disease mechanism: loss of function.

Allele frequency attached by ClinVar (database versions not stated): TOPMed below 0.00001; gnomAD exomes 0.00005 and below 0.00001.
gnomAD v4.1: 68 of 1,609,312 alleles (0.0042%); highest among the groups gnomAD compares: Non-Finnish European, 0.0055%; no homozygotes.

Submissions (8):

Evidence-based Network for the Interpretation of Germline Mutant Alleles (ENIGMA)
Classification: Likely benign for Breast-ovarian cancer, familial, susceptibility to, 2. Last evaluated: 2017-06-29. Review status: reviewed by expert panel. Criteria: ENIGMA BRCA1/2 Classification Criteria (2017-06-29). Collection method: curation. Allele origin: germline.
Comment: Synonymous substitution variant, with low bioinformatic likelihood to result in a splicing aberration (Splicing prior probability 0.02).

Labcorp Genetics (formerly Invitae), Labcorp
Classification: Likely benign for Hereditary breast ovarian cancer syndrome. Last evaluated: 2026-01-02. Review status: criteria provided, single submitter. Criteria: Invitae Variant Classification Sherloc (09022015). Collection method: clinical testing. Allele origin: germline. Not counted in ClinVar's aggregate classification.

Women's Health and Genetics/Laboratory Corporation of America, LabCorp
Classification: Likely benign. Last evaluated: 2024-12-06. Review status: criteria provided, single submitter. Criteria: LabCorp Variant Classification Summary - May 2015. Collection method: clinical testing. Allele origin: germline. Not counted in ClinVar's aggregate classification.

Blueprint Genetics
Classification: Likely benign. Last evaluated: 2022-10-10. Review status: criteria provided, single submitter. Criteria: ACMG Guidelines, 2015. Collection method: clinical testing. Allele origin: germline. Not counted in ClinVar's aggregate classification.

Department of Pathology and Laboratory Medicine, Sinai Health System
Classification: Likely benign for Familial cancer of breast; Breast-ovarian cancer, familial, susceptibility to, 2. Last evaluated: 2022-08-05. Review status: criteria provided, single submitter. Criteria: ACMG Guidelines, 2015. Collection method: clinical testing. Allele origin: germline. Affected: yes. Not counted in ClinVar's aggregate classification.

Color Diagnostics, LLC DBA Color Health
Classification: Likely benign for Hereditary cancer-predisposing syndrome. Last evaluated: 2017-03-07. Review status: criteria provided, single submitter. Criteria: ACMG Guidelines, 2015. Collection method: clinical testing. Allele origin: germline. Not counted in ClinVar's aggregate classification.

GeneDx
Classification: Benign. Last evaluated: 2015-09-08. Review status: criteria provided, single submitter. Criteria: GeneDx Variant Classification Process June 2021. Collection method: clinical testing. Allele origin: germline. Affected: yes. Not counted in ClinVar's aggregate classification.

Ambry Genetics
Classification: Likely benign for Hereditary cancer-predisposing syndrome. Last evaluated: 2015-08-06. Review status: criteria provided, single submitter. Criteria: Ambry Variant Classification Scheme 2023. Collection method: clinical testing. Allele origin: germline. Not counted in ClinVar's aggregate classification.

NM_000059.4(BRCA2):c.5547T>G (p.Gly1849=)

Gene: BRCA2 (BRCA2 DNA repair associated; plus strand). Cytogenetic location: 13q13.1.
Variant type: single nucleotide variant.
Coding change: c.5547T>G on transcript NM_000059.4 (MANE Select); coding-DNA position 5547, T replaced by G.
Protein change: p.Gly1849=; no amino-acid change (glycine 1849 retained).
Molecular consequence: synonymous variant.
Genome position (GRCh38, 1-based): chr13:32,339,902, T>G. VCF-style: chr13-32339902-T-G. GRCh37 (hg19) VCF-style: chr13-32914039-T-G.
Identifiers: ClinVar variation 135805 (VCV000135805.25), dbSNP rs587780656, ClinGen allele CA022527.
Genomic context (GRCh38, chr13:32,339,902, plus strand): 5'-GTCCATATCTAATAGTAATAATTTTGAGGTAGGGCCACCTGCATTTAGGATAGCCAGTGG[T>G]AAAATCGTTTGTGTTTCACATGAAACAATTAAAAAAGTGAAAGACATATTTACAGACAGT-3'
Protein context (NP_000050.3, residues 1839-1859): VGPPAFRIAS[Gly1849=]KIVCVSHETI